The following is an entry in ClinVar:

ClinVar aggregate classification (germline): Uncertain significance (1 of 4 stars; one submission).

Conditions:
Familial melanoma. Also called: Hereditary melanoma; Hereditary cutaneous melanoma. Identifiers: Orphanet 618, MedGen C1512419, MONDO:0018961.

Submission:

Labcorp Genetics (formerly Invitae), Labcorp
Classification: Uncertain significance for Familial melanoma. Last evaluated: 2017-02-28. Review status: criteria provided, single submitter. Criteria: Invitae Variant Classification Sherloc (09022015). Collection method: clinical testing. Allele origin: germline.
Comment: In summary, this variant is a novel missense change that is not predicted to affect protein function. There is no indication that it causes disease, but the available evidence is currently insufficient to prove that conclusively. Therefore, it has been classified as a Variant of Uncertain Significance. Algorithms developed to predict the effect of missense changes on protein structure and function (SIFT, PolyPhen-2, Align-GVGD) all suggest that this variant is likely to be tolerated, but these predictions have not been confirmed by published functional studies. This variant is not present in population databases (ExAC no frequency) and has not been reported in the literature in individuals with a CDK4-related disease. This sequence change replaces aspartic acid with alanine at codon 237 of the CDK4 protein (p.Asp237Ala). The aspartic acid residue is moderately conserved and there is a moderate physicochemical difference between aspartic acid and alanine.

NM_000075.4(CDK4):c.710A>C (p.Asp237Ala)

Genes: CDK4 (cyclin dependent kinase 4; minus strand), TSPAN31 (tetraspanin 31; plus strand). Cytogenetic location: 12q14.1.
Variant type: single nucleotide variant.
Coding change: c.710A>C on transcript NM_000075.4 (MANE Select); coding-DNA position 710, A replaced by C.
Protein change: p.Asp237Ala; replaces aspartic acid 237 with alanine.
Molecular consequence: missense variant. On other transcripts: 3 prime UTR variant (3).
Genome position (GRCh38, 1-based): chr12:57,749,291, T>G on the plus strand (A>C on the coding strand, the complement: CDK4 is on the minus strand). VCF-style: chr12-57749291-T-G. GRCh37 (hg19) VCF-style: chr12-58143074-T-G.
Other names: c.*2001T>G (NM_001330168.2, NM_001330169.2, NM_005981.5); short protein forms D237A.
Identifiers: ClinVar variation 463477 (VCV000463477.8), dbSNP rs1555201108, ClinGen allele CA385543577.
Genomic context (GRCh38, chr12:57,749,291, plus strand): 5'-ACTGGGCGGGGCCCTCTGGGGGGAAAGGCTCCACGGGGCAGGGATACATCTCGAGGCCAG[T>G]CATCCTCTGGAGGCAGCCCAATCAGGCTGTGGGGGACAGGAGAACTCTGGTCAGGAGGGT-3'
Protein context (NP_000066.1, residues 227-247): FDLIGLPPED[Asp237Ala]WPRDVSLPRG